The following is an entry in ClinVar:

NM_177438.3(DICER1):c.2373G>C (p.Lys791Asn)

Gene: DICER1 (dicer 1, ribonuclease III; minus strand). Cytogenetic location: 14q32.13.
Variant type: single nucleotide variant.
Coding change: c.2373G>C on transcript NM_177438.3 (MANE Select); coding-DNA position 2373, G replaced by C.
Protein change: p.Lys791Asn; replaces lysine 791 with asparagine.
Molecular consequence: missense variant. On other transcripts: non-coding transcript variant (6).
Genome position (GRCh38, 1-based): chr14:95,108,387, C>G on the plus strand (G>C on the coding strand, the complement: DICER1 is on the minus strand). VCF-style: chr14-95108387-C-G. GRCh37 (hg19) VCF-style: chr14-95574724-C-G.
Other names: c.2373G>C, p.Lys791Asn (NM_001195573.1, NM_001271282.3, NM_001291628.2 and 13 more transcripts); c.2091G>C, p.Lys697Asn (NM_001395686.1); c.1968G>C, p.Lys656Asn (NM_001395687.1, NM_001395688.1, NM_001395689.1 and 2 more transcripts); c.1806G>C, p.Lys602Asn (NM_001395691.1); c.690G>C, p.Lys230Asn (NM_001395697.1); short protein forms K697N, K791N, K602N, K230N, K656N.
Identifiers: ClinVar variation 2736261 (VCV002736261.3), dbSNP rs2140032173, ClinGen allele CA390882183.

ClinVar aggregate classification (germline): Uncertain significance (1 of 4 stars; one submission).

Conditions:
DICER1-related tumor predisposition. Also called: DICER1 syndrome; DICER1-related pleuropulmonary blastoma cancer predisposition syndrome. Identifiers: Orphanet 284343, MedGen C3839822, MONDO:0100216.

Submission:

Labcorp Genetics (formerly Invitae), Labcorp
Classification: Uncertain significance for DICER1-related tumor predisposition. Last evaluated: 2023-07-06. Review status: criteria provided, single submitter. Criteria: Invitae Variant Classification Sherloc (09022015). Collection method: clinical testing. Allele origin: germline.
Comment: This sequence change replaces lysine, which is basic and polar, with asparagine, which is neutral and polar, at codon 791 of the DICER1 protein (p.Lys791Asn). This variant is not present in population databases (gnomAD no frequency). This variant has not been reported in the literature in individuals affected with DICER1-related conditions. Advanced modeling of protein sequence and biophysical properties (such as structural, functional, and spatial information, amino acid conservation, physicochemical variation, residue mobility, and thermodynamic stability) performed at Invitae indicates that this missense variant is expected to disrupt DICER1 protein function. In summary, the available evidence is currently insufficient to determine the role of this variant in disease. Therefore, it has been classified as a Variant of Uncertain Significance.